The following is an entry in ClinVar:

NM_002184.4(IL6ST):c.2341G>C (p.Glu781Gln)

Gene: IL6ST (interleukin 6 cytokine family signal transducer; minus strand). Cytogenetic location: 5q11.2.
Variant type: single nucleotide variant.
Coding change: c.2341G>C on transcript NM_002184.4 (MANE Select); coding-DNA position 2341, G replaced by C.
Protein change: p.Glu781Gln; replaces glutamic acid 781 with glutamine.
Molecular consequence: missense variant. On other transcripts: 3 prime UTR variant (1), non-coding transcript variant (2).
Genome position (GRCh38, 1-based): chr5:55,941,498, C>G on the plus strand (G>C on the coding strand, the complement: IL6ST is on the minus strand). VCF-style: chr5-55941498-C-G. GRCh37 (hg19) VCF-style: chr5-55237326-C-G.
Other names: c.2158G>C, p.Glu720Gln (NM_001190981.2); c.2239G>C, p.Glu747Gln (NM_001364275.2); c.2131G>C, p.Glu711Gln (NM_001364276.2); c.1474G>C, p.Glu492Gln (NM_001364277.2); c.1438G>C, p.Glu480Gln (NM_001364278.2); c.1345G>C, p.Glu449Gln (NM_001364279.2); c.*1268G>C (NM_175767.3); short protein forms E781Q, E492Q, E747Q, E449Q, E720Q, E480Q, E711Q.
Identifiers: ClinVar variation 1441572 (VCV001441572.8), dbSNP rs775718952, ClinGen allele CA3271171.

ClinVar aggregate classification (germline): Uncertain significance (1 of 4 stars; one submission).

Allele frequency attached by ClinVar (database versions not stated): TOPMed below 0.00001; ExAC 0.00001; gnomAD 0.00001; gnomAD exomes 0.00001.
gnomAD v4.1: 3 of 1,613,966 alleles (0.00019%); highest among the groups gnomAD compares: Non-Finnish European, 0.00025%; no homozygotes.

Submission:

Labcorp Genetics (formerly Invitae), Labcorp
Classification: Uncertain significance. Last evaluated: 2024-02-24. Review status: criteria provided, single submitter. Criteria: Invitae Variant Classification Sherloc (09022015). Collection method: clinical testing. Allele origin: germline.
Comment: This sequence change replaces glutamic acid, which is acidic and polar, with glutamine, which is neutral and polar, at codon 781 of the IL6ST protein (p.Glu781Gln). This variant is present in population databases (rs775718952, gnomAD 0.002%). This variant has not been reported in the literature in individuals affected with IL6ST-related conditions. ClinVar contains an entry for this variant (Variation ID: 1441572). An algorithm developed to predict the effect of missense changes on protein structure and function (PolyPhen-2) suggests that this variant is likely to be disruptive. In summary, the available evidence is currently insufficient to determine the role of this variant in disease. Therefore, it has been classified as a Variant of Uncertain Significance.